The following is an entry in ClinVar:

ClinVar aggregate classification (germline): Likely benign. Review status: criteria provided, multiple submitters, no conflicts (2 of 4 stars). 3 submissions from 3 submitters: Likely benign (2). 1 of the submissions does not count toward it. Last evaluated 2026-06-01.

Conditions:
ADAM22-related disorder. Also called: ADAM22-related condition.

Allele frequency attached by ClinVar (database versions not stated): gnomAD 0.00012; TOPMed 0.00014; 1000 Genomes Project 30x 0.00016; ESP Exome Variant Server 0.00017; ExAC 0.00022.
gnomAD v4.1: 307 of 1,611,476 alleles (0.019%); highest among the groups gnomAD compares: Non-Finnish European, 0.024%; no homozygotes.

Submissions (3):

CeGaT Center for Human Genetics Tuebingen
Classification: Likely benign. Last evaluated: 2026-06-01. Review status: criteria provided, single submitter. Criteria: CeGaT Center For Human Genetics Tuebingen Variant Classification Criteria Version 2. Collection method: clinical testing. Allele origin: germline. Affected: yes. Observed: 2 variant alleles.
Comment: ADAM22: BP4, BP7

Blueprint Genetics
Classification: Likely benign. Last evaluated: 2024-02-16. Review status: criteria provided, single submitter. Criteria: ACMG Guidelines, 2015. Collection method: clinical testing. Allele origin: germline.

PreventionGenetics, part of Exact Sciences
Classification: Likely benign for ADAM22-related condition. Last evaluated: 2019-07-12. Review status: no assertion criteria provided. Collection method: clinical testing. Allele origin: germline. Not counted in ClinVar's aggregate classification.
Comment: This variant is classified as likely benign based on ACMG/AMP sequence variant interpretation guidelines (Richards et al. 2015 PMID: 25741868, with internal and published modifications).

NM_001324418.2(ADAM22):c.1197C>T (p.Ser399=)

Gene: ADAM22 (ADAM metallopeptidase domain 22; plus strand). Cytogenetic location: 7q21.12.
Variant type: single nucleotide variant.
Coding change: c.1197C>T on transcript NM_001324418.2 (MANE Select); coding-DNA position 1197, C replaced by T.
Protein change: p.Ser399=; no amino-acid change (serine 399 retained).
Molecular consequence: synonymous variant.
Genome position (GRCh38, 1-based): chr7:88,136,008, C>T. VCF-style: chr7-88136008-C-T. GRCh37 (hg19) VCF-style: chr7-87765323-C-T.
Other names: c.1194C>T, p.Ser398= (NM_001324417.2, NM_001324419.2, NM_001391978.1 and 2 more transcripts); c.1197C>T, p.Ser399= (NM_001324420.2, NM_001324421.2, NM_001391976.1 and 6 more transcripts); c.1248C>T, p.Ser416= (NM_001391975.1, NM_001391980.1); c.1173C>T, p.Ser391= (NM_001391982.1); c.1197C>T (NM_021723.4).
Identifiers: ClinVar variation 2657662 (VCV002657662.26), dbSNP rs376804868, ClinGen allele CA4330450.